The following is an entry in ClinVar:

NC_000016.9:g.(?_3823732)_(3831327_?)del

Gene: CREBBP (CREB binding lysine acetyltransferase; minus strand). Cytogenetic location: 16p13.3.
Variant type: Deletion.
Identifiers: ClinVar variation 2425095 (VCV002425095.4).

ClinVar aggregate classification (germline): Pathogenic (1 of 4 stars; one submission).

Conditions:
Rubinstein-Taybi syndrome (RSTS). Identifiers: Orphanet 783, MedGen C0035934, MONDO:0019188.

Submission:

Labcorp Genetics (formerly Invitae), Labcorp
Classification: Pathogenic for Rubinstein-Taybi syndrome. Last evaluated: 2022-07-23. Review status: criteria provided, single submitter. Criteria: Invitae Variant Classification Sherloc (09022015). Collection method: clinical testing. Allele origin: germline.
Comment: For these reasons, this variant has been classified as Pathogenic. This variant has not been reported in the literature in individuals affected with CREBBP-related conditions. This variant is a gross deletion of the genomic region encompassing exon(s) 7-13 of the CREBBP gene. This deletion is out-of-frame, and is expected to create a premature termination codon and result in an absent or disrupted protein product. Loss-of-function variants in CREBBP are known to be pathogenic (PMID: 17052327, 18792986).

Literature cited by the submitters: PubMed 17052327; PubMed 18792986.